The following is an entry in ClinVar:

NM_080473.5(GATA5):c.181C>T (p.Arg61Cys)

Gene: GATA5 (GATA binding protein 5; minus strand). Cytogenetic location: 20q13.33.
Variant type: single nucleotide variant.
Coding change: c.181C>T on transcript NM_080473.5 (MANE Select); coding-DNA position 181, C replaced by T.
Protein change: p.Arg61Cys; replaces arginine 61 with cysteine.
Molecular consequence: missense variant.
Genome position (GRCh38, 1-based): chr20:62,475,341, G>A on the plus strand (C>T on the coding strand, the complement: GATA5 is on the minus strand). VCF-style: chr20-62475341-G-A. GRCh37 (hg19) VCF-style: chr20-61050397-G-A.
Other names: c.181C>T (NM_080473.4); short protein forms R61C.
Identifiers: ClinVar variation 1421398 (VCV001421398.7), dbSNP rs782403666, ClinGen allele CA317288629.
Genomic context (GRCh38, chr20:62,475,341, plus strand): 5'-GCGGACTGCCCGGGCCGAAGGCCGACGAATCCGCGGTGGCTGTCTGCGCCCAGCCGGGGC[G>A]CGCAGCGAGCTCGGGGGGCTGCGGGCTCGGCTCACACCCGGACAGGTAGGACAGCATCGA-3'
Protein context (NP_536721.1, residues 51-71): PSPQPPELAA[Arg61Cys]PGWAQTATAD

ClinVar aggregate classification (germline): Uncertain significance. Review status: criteria provided, multiple submitters, no conflicts (2 of 4 stars). 2 submissions from 2 submitters: Uncertain significance (2). Last evaluated 2025-12-31.

Allele frequency attached by ClinVar (database versions not stated): gnomAD 0.00005 and 0.00006; TOPMed 0.00008; gnomAD exomes 0.00022.
gnomAD v4.1: 248 of 1,254,728 alleles (0.02%); highest among the groups gnomAD compares: Non-Finnish European, 0.024%; no homozygotes.

Submissions (2):

Labcorp Genetics (formerly Invitae), Labcorp
Classification: Uncertain significance. Last evaluated: 2025-12-31. Review status: criteria provided, single submitter. Criteria: Invitae Variant Classification Sherloc (09022015). Collection method: clinical testing. Allele origin: germline.
Comment: This sequence change replaces arginine, which is basic and polar, with cysteine, which is neutral and slightly polar, at codon 61 of the GATA5 protein (p.Arg61Cys). This variant is not present in population databases (gnomAD no frequency). This variant has not been reported in the literature in individuals affected with GATA5-related conditions. ClinVar contains an entry for this variant (Variation ID: 1421398). Invitae Evidence Modeling of protein sequence and biophysical properties (such as structural, functional, and spatial information, amino acid conservation, physicochemical variation, residue mobility, and thermodynamic stability) indicates that this missense variant is not expected to disrupt GATA5 protein function with a negative predictive value of 80%. In summary, the available evidence is currently insufficient to determine the role of this variant in disease. Therefore, it has been classified as a Variant of Uncertain Significance.

GeneDx
Classification: Uncertain significance. Last evaluated: 2024-06-06. Review status: criteria provided, single submitter. Criteria: GeneDx Variant Classification Process June 2021. Collection method: clinical testing. Allele origin: germline. Affected: yes.
Comment: Has not been previously published as pathogenic or benign to our knowledge; Not observed at significant frequency in large population cohorts (gnomAD); In silico analysis indicates that this missense variant does not alter protein structure/function